The following is an entry in ClinVar:

ClinVar aggregate classification (germline): Likely benign (1 of 4 stars; one submission).

Allele frequency attached by ClinVar (database versions not stated): gnomAD exomes 0.00062; gnomAD 0.00043.

Submission:

CeGaT Center for Human Genetics Tuebingen
Classification: Likely benign. Last evaluated: 2022-08-01. Review status: criteria provided, single submitter. Criteria: CeGaT Center For Human Genetics Tuebingen Variant Classification Criteria Version 2. Collection method: clinical testing. Allele origin: germline. Affected: yes. Observed: 1 variant allele.
Comment: RENBP: BP4, BP7

NM_002910.6(RENBP):c.1263C>T (p.Pro421=)

Gene: RENBP (renin binding protein; minus strand). Cytogenetic location: Xq28.
Variant type: single nucleotide variant.
Coding change: c.1263C>T on transcript NM_002910.6 (MANE Select); coding-DNA position 1263, C replaced by T.
Protein change: p.Pro421=; no amino-acid change (proline 421 retained).
Molecular consequence: synonymous variant.
Genome position (GRCh38, 1-based): chrX:153,935,307, G>A on the plus strand (C>T on the coding strand, the complement: RENBP is on the minus strand). VCF-style: chrX-153935307-G-A. GRCh37 (hg19) VCF-style: chrX-153200760-G-A.
Identifiers: ClinVar variation 2661762 (VCV002661762.24), dbSNP rs781854646, ClinGen allele CA10556260.